The following is an entry in ClinVar:

NM_213655.5(WNK1):c.2869T>C (p.Ser957Pro)

Gene: WNK1 (WNK lysine deficient protein kinase 1; plus strand). Cytogenetic location: 12p13.33.
Variant type: single nucleotide variant.
Coding change: c.2869T>C on transcript NM_213655.5 (MANE Plus Clinical); coding-DNA position 2869, T replaced by C.
Protein change: p.Ser957Pro; replaces serine 957 with proline.
Molecular consequence: missense variant. On other transcripts: intron variant (2).
Genome position (GRCh38, 1-based): chr12:868,340, T>C. VCF-style: chr12-868340-T-C. GRCh37 (hg19) VCF-style: chr12-977506-T-C.
Other names: c.2140-2925T>C (NM_018979.4, NM_014823.3); c.2614T>C, p.Ser872Pro (NM_001184985.2); short protein forms S872P, S957P.
Identifiers: ClinVar variation 1306842 (VCV001306842.2), dbSNP rs1379384995, ClinGen allele CA383339793.

ClinVar aggregate classification (germline): Uncertain significance (1 of 4 stars; one submission).

Allele frequency attached by ClinVar (database versions not stated): gnomAD exomes below 0.00001; TOPMed 0.00001.
gnomAD v4.1: 1 of 1,613,750 alleles (0.000062%); highest among the groups gnomAD compares: Admixed American, 0.0017%; no homozygotes.

Submission:

GeneDx
Classification: Uncertain significance. Last evaluated: 2019-07-03. Review status: criteria provided, single submitter. Criteria: GeneDx Variant Classification Process June 2021. Collection method: clinical testing. Allele origin: germline. Affected: yes.
Comment: Not observed at a significant frequency in large population cohorts (Lek et al., 2016); In silico analysis, which includes protein predictors and evolutionary conservation, supports that this variant does not alter protein structure/function; Has not been previously published as pathogenic or benign to our knowledge